The following is an entry in ClinVar:

NM_015272.5(RPGRIP1L):c.2673G>A (p.Arg891=)

Gene: RPGRIP1L (RPGRIP1 like; minus strand). Cytogenetic location: 16q12.2.
Variant type: single nucleotide variant.
Coding change: c.2673G>A on transcript NM_015272.5 (MANE Select); coding-DNA position 2673, G replaced by A.
Protein change: p.Arg891=; no amino-acid change (arginine 891 retained).
Molecular consequence: synonymous variant.
Genome position (GRCh38, 1-based): chr16:53,645,635, C>T on the plus strand (G>A on the coding strand, the complement: RPGRIP1L is on the minus strand). VCF-style: chr16-53645635-C-T. GRCh37 (hg19) VCF-style: chr16-53679547-C-T.
Other names: p.Arg891=; c.2673G>A, p.Arg891= (NM_001127897.4, NM_001308334.3, NM_001330538.2); c.2673G>A (NM_015272.4).
Identifiers: ClinVar variation 281767 (VCV000281767.50), dbSNP rs61742381, ClinGen allele CA8057502.

ClinVar aggregate classification (germline): Conflicting classifications of pathogenicity. Review status: criteria provided, conflicting classifications (1 of 4 stars). 12 submissions from 10 submitters: Uncertain significance (1); Benign (1); Likely benign (7). 3 of the submissions do not count toward it. Last evaluated 2026-01-31.

Conditions:
RPGRIP1L-related disorder. Also called: RPGRIP1L-related condition; RPGRIP1L-related disorders. Identifiers: MedGen CN239416.
Joubert syndrome. Also called: JOUBERT-BOLTSHAUSER SYNDROME; Familial aplasia of the vermis. Identifiers: Orphanet 475, MedGen C5979921, MONDO:0018772.
Meckel-Gruber syndrome. Also called: DYSENCEPHALIA SPLANCHNOCYSTICA; GRUBER SYNDROME; Dysencephalia splachnocystica. Identifiers: Orphanet 564, MedGen C0265215, MONDO:0018921.
Nephronophthisis 8. Identifiers: MedGen CN119610.
Meckel syndrome, type 5 (MKS5). Identifiers: Orphanet 564, MedGen C1969052, MONDO:0012695, OMIM 611561.
Joubert syndrome 7 (JBTS7). Identifiers: Orphanet 220497, MedGen C1969053, MONDO:0012694, OMIM 611560.

Allele frequency attached by ClinVar (database versions not stated): gnomAD exomes 0.00019 and 0.00049; ExAC 0.00071; gnomAD 0.00185 and 0.00195; TOPMed 0.00190; 1000 Genomes Project 0.00220; ESP Exome Variant Server 0.00262; 1000 Genomes Project 30x 0.00265.
gnomAD v4.1: 573 of 1,613,588 alleles (0.036%); highest among the groups gnomAD compares: African/African-American, 0.7%; 1 homozygote.

Submissions (12):

Labcorp Genetics (formerly Invitae), Labcorp
Classification: Benign for Joubert syndrome; Meckel-Gruber syndrome. Last evaluated: 2026-01-31. Review status: criteria provided, single submitter. Criteria: Invitae Variant Classification Sherloc (09022015). Collection method: clinical testing. Allele origin: germline.

Mayo Clinic Laboratories, Mayo Clinic
Classification: Likely benign. Last evaluated: 2025-09-17. Review status: criteria provided, single submitter. Criteria: ACMG Guidelines, 2015. Collection method: clinical testing. Allele origin: germline. Observed: 4 variant alleles.
Comment: BP4, BP7

Blueprint Genetics
Classification: Likely benign. Last evaluated: 2024-09-16. Review status: criteria provided, single submitter. Criteria: ACMG Guidelines, 2015. Collection method: clinical testing. Allele origin: germline.

CeGaT Center for Human Genetics Tuebingen
Classification: Likely benign. Last evaluated: 2023-02-01. Review status: criteria provided, single submitter. Criteria: CeGaT Center For Human Genetics Tuebingen Variant Classification Criteria Version 2. Collection method: clinical testing. Allele origin: germline. Affected: yes. Observed: 1 variant allele.
Comment: RPGRIP1L: BP4, BP7

GeneDx
Classification: Likely benign. Last evaluated: 2021-05-03. Review status: criteria provided, single submitter. Criteria: GeneDx Variant Classification Process June 2021. Collection method: clinical testing. Allele origin: germline. Affected: yes.

Illumina Laboratory Services, Illumina
Classification: Likely benign for Joubert syndrome 7. Last evaluated: 2018-01-12. Review status: criteria provided, single submitter. Criteria: ICSL Variant Classification Criteria 13 December 2019. Collection method: clinical testing. Allele origin: germline.
Comment: This variant was observed in the ICSL laboratory as part of a predisposition screen in an ostensibly healthy population. It had not been previously curated by ICSL or reported in the Human Gene Mutation Database (HGMD: prior to June 1st, 2018), and was therefore a candidate for classification through an automated scoring system. Utilizing variant allele frequency, disease prevalence and penetrance estimates, and inheritance mode, an automated score was calculated to assess if this variant is too frequent to cause the disease. Based on the score and internal cut-off values, a variant classified as likely benign is not then subjected to further curation. The score for this variant resulted in a classification of likely benign for this disease.

Illumina Laboratory Services, Illumina
Classification: Uncertain significance for Meckel syndrome, type 5. Last evaluated: 2018-01-12. Review status: criteria provided, single submitter. Criteria: ICSL Variant Classification Criteria 13 December 2019. Collection method: clinical testing. Allele origin: germline.

Illumina Laboratory Services, Illumina
Classification: Likely benign for Nephronophthisis 8. Last evaluated: 2018-01-12. Review status: criteria provided, single submitter. Criteria: ICSL Variant Classification Criteria 13 December 2019. Collection method: clinical testing. Allele origin: germline.
Comment: the same text as in the submission from Illumina Laboratory Services, Illumina above.

Eurofins Ntd Llc (ga)
Classification: Likely benign. Last evaluated: 2015-07-28. Review status: criteria provided, single submitter. Criteria: EGL Classification Definitions 2015. Collection method: clinical testing. Allele origin: germline. Observed: 1 variant allele, 1 heterozygote.

PreventionGenetics, part of Exact Sciences
Classification: Benign for RPGRIP1L-related condition. Last evaluated: 2020-12-31. Review status: no assertion criteria provided. Collection method: clinical testing. Allele origin: germline. Not counted in ClinVar's aggregate classification.
Comment: This variant is classified as benign based on ACMG/AMP sequence variant interpretation guidelines (Richards et al. 2015 PMID: 25741868, with internal and published modifications).

Clinical Genetics, Academic Medical Center
Classification: Likely benign. Review status: no assertion criteria provided. Collection method: clinical testing. Allele origin: germline. Affected: yes. Study: VKGL Data-share Consensus. Not counted in ClinVar's aggregate classification.

Genome Diagnostics Laboratory, University Medical Center Utrecht
Classification: Likely benign. Review status: no assertion criteria provided. Collection method: clinical testing. Allele origin: germline. Affected: yes. Study: VKGL Data-share Consensus. Not counted in ClinVar's aggregate classification.